The following is an entry in ClinVar:

ClinVar aggregate classification (germline): Uncertain significance (1 of 4 stars; one submission).

Conditions:
3-methylcrotonyl-CoA carboxylase 2 deficiency. Also called: METHYLCROTONYLGLYCINURIA, TYPE II; 3 alpha methylcrotonyl-CoA carboxylase 2 deficiency; 3 alpha methylcrotonylglycinuria 2; MCC 2 deficiency; Methylcrotonylglycinuria type 2. Identifiers: Orphanet 6, MedGen C1859499, MONDO:0008862, OMIM 210210.

gnomAD v4.1: 1 of 1,614,202 alleles (0.000062%); highest among the groups gnomAD compares: Non-Finnish European, 0.000085%; no homozygotes.

Submission:

Myriad Genetics, Inc.
Classification: Uncertain significance for 3-methylcrotonyl-CoA carboxylase 2 deficiency. Last evaluated: 2026-08-11. Review status: criteria provided, single submitter. Criteria: Myriad Autosomal Dominant, Autosomal Recessive and X-Linked Classification Criteria (2023). Collection method: clinical testing. Allele origin: unknown.
Comment: NM_022132.4(MCCC2):c.436T>C(Y146H) is a missense variant classified as a variant of uncertain significance in the context of 3-methylcrotonyl-CoA carboxylase deficiency, MCCC2-related. Y146H has been observed in a case with relevant disease (PMID: 41440811). Relevant functional assessments of this variant are not available in the literature. Y146H has not been observed in referenced population frequency databases. In summary, there is insufficient evidence to classify NM_022132.4(MCCC2):c.436T>C(Y146H) as pathogenic or benign. Please note: this variant was assessed in the context of healthy population screening.

Literature cited by the submitters: PubMed 41440811.

NM_022132.5(MCCC2):c.436T>C (p.Tyr146His)

Gene: MCCC2 (methylcrotonyl-CoA carboxylase subunit 2; plus strand). Cytogenetic location: 5q13.2.
Variant type: single nucleotide variant.
Coding change: c.436T>C on transcript NM_022132.5 (MANE Select); coding-DNA position 436, T replaced by C.
Protein change: p.Tyr146His; replaces tyrosine 146 with histidine.
Molecular consequence: missense variant.
Genome position (GRCh38, 1-based): chr5:71,602,558, T>C. VCF-style: chr5-71602558-T-C. GRCh37 (hg19) VCF-style: chr5-70898385-T-C.
Other names: c.436T>C, p.Tyr146His (NM_001363147.1); short protein forms Y146H.
Identifiers: ClinVar variation 5004841 (VCV005004841.1).